The following is an entry in ClinVar:

NM_001904.4(CTNNB1):c.198G>A (p.Trp66Ter)

Genes: CTNNB1 (catenin beta 1; plus strand), LOC126806658 (BRD4-independent group 4 enhancer GRCh37_chr3:41265899-41267098; plus strand). Cytogenetic location: 3p22.1.
Variant type: single nucleotide variant.
Coding change: c.198G>A on transcript NM_001904.4 (MANE Select); coding-DNA position 198, G replaced by A.
Protein change: p.Trp66Ter; replaces tryptophan 66 with a stop codon.
Molecular consequence: nonsense.
Genome position (GRCh38, 1-based): chr3:41,224,710, G>A. VCF-style: chr3-41224710-G-A. GRCh37 (hg19) VCF-style: chr3-41266201-G-A.
Other names: c.198G>A, p.Trp66Ter (NM_001098209.2, NM_001098210.2); c.177G>A, p.Trp59Ter (NM_001330729.2); short protein forms W66*, W59*.
Identifiers: ClinVar variation 280325 (VCV000280325.4), dbSNP rs886041553, ClinGen allele CA10602900.

ClinVar aggregate classification (germline): Pathogenic (1 of 4 stars; one submission).

Conditions:
Severe intellectual disability-progressive spastic diplegia syndrome (NEDSDV). Also called: NEURODEVELOPMENTAL DISORDER WITH SPASTIC DIPLEGIA AND VISUAL DEFECTS; CTNNB1 Neurodevelopmental Disorder. Identifiers: Orphanet 404473, MedGen C3554449, MONDO:0014035, OMIM 615075.

Submission:

GeneDx
Classification: Pathogenic. Last evaluated: 2016-02-11. Review status: criteria provided, single submitter. Criteria: GeneDx Variant Classification (06012015). Collection method: clinical testing. Allele origin: germline. Affected: yes.
Comment: The W66X pathogenic variant in the CTNNB1 gene has not been reported previously as a pathogenic variant nor as a benign variant, to our knowledge. This variant is predicted to cause loss of normal protein function either through protein truncation or nonsense-mediated mRNA decay. The W66X variant was not observed in approximately 6500 individuals of European and African American ancestry in the NHLBI Exome Sequencing Project, indicating it is not a common benign variant in these populations. We interpret W66X as a pathogenic variant.